The following is an entry in ClinVar:

ClinVar aggregate classification (germline): Uncertain significance (1 of 4 stars; one submission).

gnomAD v4.1: 4 of 1,614,166 alleles (0.00025%); highest among the groups gnomAD compares: Non-Finnish European, 0.00034%; no homozygotes.

Submission:

Women's Health and Genetics/Laboratory Corporation of America, LabCorp
Classification: Uncertain significance. Last evaluated: 2024-12-09. Review status: criteria provided, single submitter. Criteria: LabCorp Variant Classification Summary - May 2015. Collection method: clinical testing. Allele origin: germline.
Comment: Variant summary: CYP27A1 c.1537C>G (p.Arg513Gly) results in a non-conservative amino acid change in the encoded protein sequence. Four of five in-silico tools predict a damaging effect of the variant on protein function. The variant was absent in 251486 control chromosomes. The available data on variant occurrences in the general population are insufficient to allow any conclusion about variant significance. To our knowledge, no occurrence of c.1537C>G in individuals affected with Cerebrotendinous Xanthomatosis and no experimental evidence demonstrating its impact on protein function have been reported. No submitters have cited clinical-significance assessments for this variant to ClinVar. Based on the evidence outlined above, the variant was classified as uncertain significance.

NM_000784.4(CYP27A1):c.1537C>G (p.Arg513Gly)

Gene: CYP27A1 (cytochrome P450 family 27 subfamily A member 1; plus strand). Cytogenetic location: 2q35.
Variant type: single nucleotide variant.
Coding change: c.1537C>G on transcript NM_000784.4 (MANE Select); coding-DNA position 1537, C replaced by G.
Protein change: p.Arg513Gly; replaces arginine 513 with glycine.
Molecular consequence: missense variant.
Genome position (GRCh38, 1-based): chr2:218,814,971, C>G. VCF-style: chr2-218814971-C-G. GRCh37 (hg19) VCF-style: chr2-219679694-C-G.
Other names: short protein forms R513G.
Identifiers: ClinVar variation 3768191 (VCV003768191.1).